The following is an entry in ClinVar:

NM_000217.3(KCNA1):c.224C>A (p.Pro75His)

Gene: KCNA1 (potassium voltage-gated channel subfamily A member 1; plus strand). Cytogenetic location: 12p13.32.
Variant type: single nucleotide variant.
Coding change: c.224C>A on transcript NM_000217.3 (MANE Select); coding-DNA position 224, C replaced by A.
Protein change: p.Pro75His; replaces proline 75 with histidine.
Molecular consequence: missense variant.
Genome position (GRCh38, 1-based): chr12:4,911,602, C>A. VCF-style: chr12-4911602-C-A. GRCh37 (hg19) VCF-style: chr12-5020768-C-A.
Other names: short protein forms P75H.
Identifiers: ClinVar variation 463862 (VCV000463862.11), dbSNP rs897263951, ClinGen allele CA231855451.

ClinVar aggregate classification (germline): Uncertain significance. Review status: criteria provided, multiple submitters, no conflicts (2 of 4 stars). 2 submissions from 2 submitters: Uncertain significance (2). Last evaluated 2024-09-24.

Conditions:
Inborn genetic diseases. Identifiers: MedGen C0950123, MeSH D030342.
Episodic ataxia type 1 (EA1). Also called: Episodic ataxia/myokymia syndrome; MYOKYMIA WITH PERIODIC ATAXIA; PAROXYSMAL ATAXIA WITH NEUROMYOTONIA, HEREDITARY; ATAXIA, EPISODIC, WITH MYOKYMIA. Identifiers: Orphanet 37612, Orphanet 972, MedGen C1719788, MONDO:0008047, OMIM 160120.

Allele frequency attached by ClinVar (database versions not stated): gnomAD exomes below 0.00001; gnomAD 0.00001; TOPMed 0.00001.

Submissions (2):

Labcorp Genetics (formerly Invitae), Labcorp
Classification: Uncertain significance for Episodic ataxia type 1. Last evaluated: 2024-09-24. Review status: criteria provided, single submitter. Criteria: Invitae Variant Classification Sherloc (09022015). Collection method: clinical testing. Allele origin: germline.
Comment: This sequence change replaces proline, which is neutral and non-polar, with histidine, which is basic and polar, at codon 75 of the KCNA1 protein (p.Pro75His). This variant is not present in population databases (gnomAD no frequency). This variant has not been reported in the literature in individuals affected with KCNA1-related conditions. ClinVar contains an entry for this variant (Variation ID: 463862). Invitae Evidence Modeling of protein sequence and biophysical properties (such as structural, functional, and spatial information, amino acid conservation, physicochemical variation, residue mobility, and thermodynamic stability) indicates that this missense variant is not expected to disrupt KCNA1 protein function with a negative predictive value of 80%. In summary, the available evidence is currently insufficient to determine the role of this variant in disease. Therefore, it has been classified as a Variant of Uncertain Significance.

Ambry Genetics
Classification: Uncertain significance for Inborn genetic diseases. Last evaluated: 2019-06-28. Review status: criteria provided, single submitter. Criteria: Ambry exome assertion method (8-5-2015). Collection method: clinical testing. Allele origin: germline. Affected: yes. Observed: 1 variant allele.